The following is an entry in ClinVar:

ClinVar aggregate classification (germline): Uncertain significance. Review status: criteria provided, multiple submitters, no conflicts (2 of 4 stars). 2 submissions from 2 submitters: Uncertain significance (2). Last evaluated 2025-09-02.

Conditions:
Inborn genetic diseases. Identifiers: MedGen C0950123, MeSH D030342.

gnomAD v4.1: 9 of 1,613,618 alleles (0.00056%); highest among the groups gnomAD compares: Admixed American, 0.0067%; no homozygotes.

Submissions (2):

Labcorp Genetics (formerly Invitae), Labcorp
Classification: Uncertain significance. Last evaluated: 2025-09-02. Review status: criteria provided, single submitter. Criteria: Invitae Variant Classification Sherloc (09022015). Collection method: clinical testing. Allele origin: germline.
Comment: This sequence change replaces glutamic acid, which is acidic and polar, with glutamine, which is neutral and polar, at codon 462 of the GFM2 protein (p.Glu462Gln). This variant is present in population databases (rs145221708, gnomAD 0.006%). This variant has not been reported in the literature in individuals affected with GFM2-related conditions. ClinVar contains an entry for this variant (Variation ID: 2190036). An algorithm developed to predict the effect of missense changes on protein structure and function (PolyPhen-2) suggests that this variant is likely to be tolerated. In summary, the available evidence is currently insufficient to determine the role of this variant in disease. Therefore, it has been classified as a Variant of Uncertain Significance.

Ambry Genetics
Classification: Uncertain significance for Inborn genetic diseases. Last evaluated: 2025-08-08. Review status: criteria provided, single submitter. Criteria: Ambry Variant Classification Scheme 2023. Collection method: clinical testing. Allele origin: germline.

NM_032380.5(GFM2):c.1384G>C (p.Glu462Gln)

Gene: GFM2 (GTP dependent ribosome recycling factor mitochondrial 2; minus strand). Cytogenetic location: 5q13.3.
Variant type: single nucleotide variant.
Coding change: c.1384G>C on transcript NM_032380.5 (MANE Select); coding-DNA position 1384, G replaced by C.
Protein change: p.Glu462Gln; replaces glutamic acid 462 with glutamine.
Molecular consequence: missense variant. On other transcripts: non-coding transcript variant (1).
Genome position (GRCh38, 1-based): chr5:74,736,922, C>G on the plus strand (G>C on the coding strand, the complement: GFM2 is on the minus strand). VCF-style: chr5-74736922-C-G. GRCh37 (hg19) VCF-style: chr5-74032747-C-G.
Other names: c.1384G>C (NM_032380.3); c.1480G>C, p.Glu494Gln (NM_001281302.2); c.1384G>C, p.Glu462Gln (NM_170681.3); c.1243G>C, p.Glu415Gln (NM_170691.3); short protein forms E415Q, E462Q, E494Q.
Identifiers: ClinVar variation 2190036 (VCV002190036.5), dbSNP rs145221708, ClinGen allele CA3306544.